The following is an entry in ClinVar:

ClinVar aggregate classification (germline): Uncertain significance (1 of 4 stars; one submission).

gnomAD v4.1: 19 of 1,613,428 alleles (0.0012%); highest among the groups gnomAD compares: Non-Finnish European, 0.0015%; no homozygotes.

Submission:

Labcorp Genetics (formerly Invitae), Labcorp
Classification: Uncertain significance. Last evaluated: 2024-10-17. Review status: criteria provided, single submitter. Criteria: Invitae Variant Classification Sherloc (09022015). Collection method: clinical testing. Allele origin: germline.
Comment: This sequence change replaces histidine, which is basic and polar, with glutamine, which is neutral and polar, at codon 134 of the JAK2 protein (p.His134Gln). This variant is present in population databases (no rsID available, gnomAD 0.0009%). This variant has not been reported in the literature in individuals affected with JAK2-related conditions. Invitae Evidence Modeling of protein sequence and biophysical properties (such as structural, functional, and spatial information, amino acid conservation, physicochemical variation, residue mobility, and thermodynamic stability) indicates that this missense variant is not expected to disrupt JAK2 protein function with a negative predictive value of 80%. In summary, the available evidence is currently insufficient to determine the role of this variant in disease. Therefore, it has been classified as a Variant of Uncertain Significance.

NM_004972.4(JAK2):c.402T>A (p.His134Gln)

Genes: INSL6 (insulin like 6; minus strand), JAK2 (Janus kinase 2; plus strand). Cytogenetic location: 9p24.1.
Variant type: single nucleotide variant.
Coding change: c.402T>A on transcript NM_004972.4 (MANE Select); coding-DNA position 402, T replaced by A.
Protein change: p.His134Gln; replaces histidine 134 with glutamine.
Molecular consequence: missense variant. On other transcripts: 5 prime UTR variant (3), non-coding transcript variant (2).
Genome position (GRCh38, 1-based): chr9:5,044,454, T>A. VCF-style: chr9-5044454-T-A. GRCh37 (hg19) VCF-style: chr9-5044454-T-A.
Other names: c.402T>A, p.His134Gln (NM_001322194.2, NM_001322195.2, NM_001322196.2); c.-719T>A (NM_001322198.2, NM_001322199.2); c.-46T>A (NM_001322204.2); short protein forms H134Q.
Identifiers: ClinVar variation 3696752 (VCV003696752.2).
Genomic context (GRCh38, chr9:5,044,454, plus strand): 5'-ATCTTGTAGATTTTACTTTCCTCGTTGGTATTGCAGTGGCAGCAACAGAGCCTATCGGCA[T>A]GGAATATCTCGAGGTGCTGAAGCTCCTCTTCTTGATGACTTTGTCATGTCTTACCTCTTT-3'
Protein context (NP_004963.1, residues 124-144): YCSGSNRAYR[His134Gln]GISRGAEAPL